The following is an entry in ClinVar:

ClinVar aggregate classification (germline): Uncertain significance (1 of 4 stars; one submission).

Allele frequency attached by ClinVar (database versions not stated): gnomAD exomes below 0.00001; TOPMed below 0.00001.
gnomAD v4.1: 3 of 1,614,064 alleles (0.00019%); highest among the groups gnomAD compares: Non-Finnish European, 0.00025%; no homozygotes.

Submission:

Labcorp Genetics (formerly Invitae), Labcorp
Classification: Uncertain significance. Last evaluated: 2023-12-15. Review status: criteria provided, single submitter. Criteria: Invitae Variant Classification Sherloc (09022015). Collection method: clinical testing. Allele origin: germline.
Comment: This sequence change replaces leucine, which is neutral and non-polar, with phenylalanine, which is neutral and non-polar, at codon 769 of the CSF2RB protein (p.Leu769Phe). This variant is present in population databases (no rsID available, gnomAD 0.0009%). This variant has not been reported in the literature in individuals affected with CSF2RB-related conditions. Advanced modeling of protein sequence and biophysical properties (such as structural, functional, and spatial information, amino acid conservation, physicochemical variation, residue mobility, and thermodynamic stability) performed at Invitae indicates that this missense variant is expected to disrupt CSF2RB protein function with a positive predictive value of 80%. In summary, the available evidence is currently insufficient to determine the role of this variant in disease. Therefore, it has been classified as a Variant of Uncertain Significance.

NM_000395.3(CSF2RB):c.2305C>T (p.Leu769Phe)

Gene: CSF2RB (colony stimulating factor 2 receptor subunit beta; plus strand). Cytogenetic location: 22q12.3.
Variant type: single nucleotide variant.
Coding change: c.2305C>T on transcript NM_000395.3 (MANE Select); coding-DNA position 2305, C replaced by T.
Protein change: p.Leu769Phe; replaces leucine 769 with phenylalanine.
Molecular consequence: missense variant.
Genome position (GRCh38, 1-based): chr22:36,938,113, C>T. VCF-style: chr22-36938113-C-T. GRCh37 (hg19) VCF-style: chr22-37334155-C-T.
Other names: c.2323C>T, p.Leu775Phe (NM_001410827.1); short protein forms L769F, L775F.
Identifiers: ClinVar variation 2807714 (VCV002807714.3), dbSNP rs1389673416, ClinGen allele CA411411239.